The following is an entry in ClinVar:

NM_001943.5(DSG2):c.3281G>T (p.Gly1094Val)

Genes: DSG2 (desmoglein 2; plus strand), DSG2-AS1 (DSG2 antisense RNA 1; minus strand). Cytogenetic location: 18q12.1.
Variant type: single nucleotide variant.
Coding change: c.3281G>T on transcript NM_001943.5 (MANE Select); coding-DNA position 3281, G replaced by T.
Protein change: p.Gly1094Val; replaces glycine 1094 with valine.
Molecular consequence: missense variant.
Genome position (GRCh38, 1-based): chr18:31,546,667, G>T. VCF-style: chr18-31546667-G-T. GRCh37 (hg19) VCF-style: chr18-29126630-G-T.
Other names: c.3281G>T (NM_001943.4); short protein forms G1094V.
Identifiers: ClinVar variation 1729748 (VCV001729748.6), dbSNP rs144313973, ClinGen allele CA048247.

ClinVar aggregate classification (germline): Likely benign. Review status: criteria provided, multiple submitters, no conflicts (2 of 4 stars). 3 submissions from 3 submitters: Likely benign (3). Last evaluated 2026-03-27.

Conditions:
Cardiovascular phenotype. Identifiers: MedGen CN230736.
Arrhythmogenic right ventricular dysplasia 10. Also called: Arrhythmogenic Right Ventricular Dysplasia/Cardiomyopathy10; ARRHYTHMOGENIC RIGHT VENTRICULAR DYSPLASIA, FAMILIAL, 10; Arrhythmogenic right ventricular dysplasia/cardiomyopathy, type 10. Identifiers: MedGen C1857777, MONDO:0012434, OMIM 610193.

Allele frequency attached by ClinVar (database versions not stated): 1000 Genomes Project 30x 0.00047; ExAC 0.00008; 1000 Genomes Project 0.00040; gnomAD 0.00012; TOPMed 0.00014; ESP Exome Variant Server 0.00024.
gnomAD v4.1: 31 of 1,614,176 alleles (0.0019%); highest among the groups gnomAD compares: African/African-American, 0.036%; no homozygotes.

Submissions (3):

Molecular Diagnostic Laboratory for Inherited Cardiovascular Disease, Montreal Heart Institute
Classification: Likely benign. Last evaluated: 2026-03-27. Review status: criteria provided, single submitter. Criteria: ACMG Guidelines, 2015. Collection method: clinical testing. Allele origin: germline. Affected: no.
Comment: BS1;BP4

Labcorp Genetics (formerly Invitae), Labcorp
Classification: Likely benign for Arrhythmogenic right ventricular dysplasia 10. Last evaluated: 2025-12-14. Review status: criteria provided, single submitter. Criteria: Invitae Variant Classification Sherloc (09022015). Collection method: clinical testing. Allele origin: germline.

Ambry Genetics
Classification: Likely benign for Cardiovascular phenotype. Last evaluated: 2022-03-31. Review status: criteria provided, single submitter. Criteria: Ambry Variant Classification Scheme 2023. Collection method: clinical testing. Allele origin: germline.